The following is an entry in ClinVar:

ClinVar aggregate classification (germline): Likely pathogenic (1 of 4 stars; one submission).

Allele frequency attached by ClinVar (database versions not stated): gnomAD exomes below 0.00001.
gnomAD v4.1: 2 of 1,612,030 alleles (0.00012%); highest among the groups gnomAD compares: Non-Finnish European, 0.00017%; no homozygotes.

Submission:

GeneDx
Classification: Likely pathogenic. Last evaluated: 2024-01-08. Review status: criteria provided, single submitter. Criteria: GeneDx Variant Classification Process June 2021. Collection method: clinical testing. Allele origin: germline. Affected: yes.
Comment: Not observed at significant frequency in large population cohorts (gnomAD); In silico analysis supports that this missense variant has a deleterious effect on protein structure/function; This variant is associated with the following publications: (PMID: 34153142)

NM_024596.5(MCPH1):c.236G>T (p.Cys79Phe)

Gene: MCPH1 (microcephalin 1; plus strand). Cytogenetic location: 8p23.1.
Variant type: single nucleotide variant.
Coding change: c.236G>T on transcript NM_024596.5 (MANE Select); coding-DNA position 236, G replaced by T.
Protein change: p.Cys79Phe; replaces cysteine 79 with phenylalanine.
Molecular consequence: missense variant. On other transcripts: non-coding transcript variant (1).
Genome position (GRCh38, 1-based): chr8:6,431,501, G>T. VCF-style: chr8-6431501-G-T. GRCh37 (hg19) VCF-style: chr8-6289022-G-T.
Other names: c.236G>T, p.Cys79Phe (NM_001172574.2, NM_001172575.2, NM_001322042.2 and 4 more transcripts); c.230G>T, p.Cys77Phe (NM_001322043.2); c.134G>T, p.Cys45Phe (NM_001322045.2); short protein forms C45F, C77F, C79F.
Identifiers: ClinVar variation 3252645 (VCV003252645.1), dbSNP rs1563197714.